The following is an entry in ClinVar:

NM_003705.5(SLC25A12):c.1934C>T (p.Thr645Met)

Gene: SLC25A12 (solute carrier family 25 member 12; minus strand). Cytogenetic location: 2q31.1.
Variant type: single nucleotide variant.
Coding change: c.1934C>T on transcript NM_003705.5 (MANE Select); coding-DNA position 1934, C replaced by T.
Protein change: p.Thr645Met; replaces threonine 645 with methionine.
Molecular consequence: missense variant. On other transcripts: non-coding transcript variant (1).
Genome position (GRCh38, 1-based): chr2:171,785,377, G>A on the plus strand (C>T on the coding strand, the complement: SLC25A12 is on the minus strand). VCF-style: chr2-171785377-G-A. GRCh37 (hg19) VCF-style: chr2-172641887-G-A.
Other names: c.1934C>T (NM_003705.3); short protein forms T645M.
Identifiers: ClinVar variation 1402643 (VCV001402643.5), dbSNP rs747419483, ClinGen allele CA1966002.
Genomic context (GRCh38, chr2:171,785,377, plus strand): 5'-ACACTAGGAGACTTAAATTTCGGGAGATAAAGGCCAAATTTGTTTTCGATGCCTGCAAAC[G>A]TGGCTGTGGCGAGTCTGTATCCACCGATGTGATCAGGGTTGGCAGGAGGAAGGTCTGCAA-3'
Protein context (NP_003696.2, residues 635-655): HIGGYRLATA[Thr645Met]FAGIENKFGL

ClinVar aggregate classification (germline): Uncertain significance. Review status: criteria provided, multiple submitters, no conflicts (2 of 4 stars). 2 submissions from 2 submitters: Uncertain significance (2). Last evaluated 2025-08-21.

Conditions:
Inborn genetic diseases. Identifiers: MedGen C0950123, MeSH D030342.

Allele frequency attached by ClinVar (database versions not stated): gnomAD 0.00002 and 0.00003; gnomAD exomes 0.00002; TOPMed 0.00002; ExAC 0.00002.
gnomAD v4.1: 37 of 1,614,098 alleles (0.0023%); highest among the groups gnomAD compares: East Asian, 0.027%; no homozygotes.

Submissions (2):

Ambry Genetics
Classification: Uncertain significance for Inborn genetic diseases. Last evaluated: 2025-08-21. Review status: criteria provided, single submitter. Criteria: Ambry Variant Classification Scheme 2023. Collection method: clinical testing. Allele origin: germline.

Labcorp Genetics (formerly Invitae), Labcorp
Classification: Uncertain significance. Last evaluated: 2023-12-11. Review status: criteria provided, single submitter. Criteria: Invitae Variant Classification Sherloc (09022015). Collection method: clinical testing. Allele origin: germline.
Comment: This sequence change replaces threonine, which is neutral and polar, with methionine, which is neutral and non-polar, at codon 645 of the SLC25A12 protein (p.Thr645Met). This variant is present in population databases (rs747419483, gnomAD 0.007%). This variant has not been reported in the literature in individuals affected with SLC25A12-related conditions. ClinVar contains an entry for this variant (Variation ID: 1402643). Advanced modeling of protein sequence and biophysical properties (such as structural, functional, and spatial information, amino acid conservation, physicochemical variation, residue mobility, and thermodynamic stability) performed at Invitae indicates that this missense variant is not expected to disrupt SLC25A12 protein function with a negative predictive value of 80%. In summary, the available evidence is currently insufficient to determine the role of this variant in disease. Therefore, it has been classified as a Variant of Uncertain Significance.